The following is an entry in ClinVar:

NM_000179.3(MSH6):c.2153G>C (p.Ser718Thr)

Gene: MSH6 (mutS homolog 6; plus strand). Cytogenetic location: 2p16.3.
Variant type: single nucleotide variant.
Coding change: c.2153G>C on transcript NM_000179.3 (MANE Select); coding-DNA position 2153, G replaced by C.
Protein change: p.Ser718Thr; replaces serine 718 with threonine.
Molecular consequence: missense variant.
Genome position (GRCh38, 1-based): chr2:47,800,136, G>C. VCF-style: chr2-47800136-G-C. GRCh37 (hg19) VCF-style: chr2-48027275-G-C.
Other names: c.1763G>C, p.Ser588Thr (NM_001281492.2); c.1247G>C, p.Ser416Thr (NM_001281493.2, NM_001281494.2); short protein forms S588T, S416T, S718T.
Identifiers: ClinVar variation 948562 (VCV000948562.10), dbSNP rs1669427136, ClinGen allele CA346751120.
Genomic context (GRCh38, chr2:47,800,136, plus strand): 5'-AGGAGCTTTTATCAATGGCTAATTTTGAAGAATATATTCCCTTGGATTCTGACACAGTCA[G>C]CACTACAAGATCTGGTGCTATCTTCACCAAAGCCTATCAACGAATGGTGCTAGATGCAGT-3'
Protein context (NP_000170.1, residues 708-728): EYIPLDSDTV[Ser718Thr]TTRSGAIFTK

ClinVar aggregate classification (germline): Uncertain significance (1 of 4 stars; one submission).

Conditions:
Hereditary nonpolyposis colorectal neoplasms. Identifiers: MedGen C0009405, MeSH D003123.

Submission:

Labcorp Genetics (formerly Invitae), Labcorp
Classification: Uncertain significance for Hereditary nonpolyposis colorectal neoplasms. Last evaluated: 2019-08-18. Review status: criteria provided, single submitter. Criteria: Invitae Variant Classification Sherloc (09022015). Collection method: clinical testing. Allele origin: germline.
Comment: In summary, the available evidence is currently insufficient to determine the role of this variant in disease. Therefore, it has been classified as a Variant of Uncertain Significance. Algorithms developed to predict the effect of missense changes on protein structure and function output the following: SIFT: "Tolerated"; PolyPhen-2: "Benign"; Align-GVGD: "Class C0". The threonine amino acid residue is found in multiple mammalian species, suggesting that this missense change does not adversely affect protein function. These predictions have not been confirmed by published functional studies and their clinical significance is uncertain. This variant has not been reported in the literature in individuals with MSH6-related conditions. This variant is not present in population databases (ExAC no frequency). This sequence change replaces serine with threonine at codon 718 of the MSH6 protein (p.Ser718Thr). The serine residue is weakly conserved and there is a small physicochemical difference between serine and threonine.